The following is an entry in ClinVar:

NM_000136.3(FANCC):c.847C>A (p.Gln283Lys)

Genes: AOPEP (aminopeptidase O (putative); plus strand), FANCC (FA complementation group C; minus strand). Cytogenetic location: 9q22.32.
Variant type: single nucleotide variant.
Coding change: c.847C>A on transcript NM_000136.3 (MANE Select); coding-DNA position 847, C replaced by A.
Protein change: p.Gln283Lys; replaces glutamine 283 with lysine.
Molecular consequence: missense variant.
Genome position (GRCh38, 1-based): chr9:95,126,578, G>T on the plus strand (C>A on the coding strand, the complement: FANCC is on the minus strand). VCF-style: chr9-95126578-G-T. GRCh37 (hg19) VCF-style: chr9-97888860-G-T.
Other names: c.847C>A, p.Gln283Lys (NM_001243744.2, NM_001243743.2); short protein forms Q283K.
Identifiers: ClinVar variation 576329 (VCV000576329.9), dbSNP rs1564667865, ClinGen allele CA374109150.
Genomic context (GRCh38, chr9:95,126,578, plus strand): 5'-GTAACGTTTACCTGAACATCTCATCAACAACCCGGAATATGGCAGGGTGGCAGGCTGCTT[G>T]AGGCTGTAAAAGGAGAAGACCATGAGAATGTGAAATATCACAAGCACTTTCTCAGAAACT-3'
Protein context (NP_000127.2, residues 273-293): ECFIKDSSLP[Gln283Lys]AACHPAIFRV

ClinVar aggregate classification (germline): Uncertain significance. Review status: criteria provided, multiple submitters, no conflicts (2 of 4 stars). 2 submissions from 2 submitters: Uncertain significance (2). Last evaluated 2025-03-02.

Conditions:
Hereditary cancer-predisposing syndrome. Also called: Tumor predisposition; Hereditary neoplastic syndrome; Hereditary Cancer Syndrome; Neoplastic Syndromes, Hereditary. Identifiers: Orphanet 140162, MedGen C0027672, MeSH D009386, MONDO:0015356.
Fanconi anemia (FA). Also called: Fanconi's anemia. Identifiers: Orphanet 84, MedGen C0015625, MeSH D005199, MONDO:0019391.

Submissions (2):

Ambry Genetics
Classification: Uncertain significance for Hereditary cancer-predisposing syndrome. Last evaluated: 2025-03-02. Review status: criteria provided, single submitter. Criteria: Ambry Variant Classification Scheme 2023. Collection method: clinical testing. Allele origin: germline.
Comment: The p.Q283K variant (also known as c.847C>A), located in coding exon 8 of the FANCC gene, results from a C to A substitution at nucleotide position 847. The glutamine at codon 283 is replaced by lysine, an amino acid with similar properties. This amino acid position is conserved. In addition, this alteration is predicted to be tolerated by in silico analysis. Based on the available evidence, the clinical significance of this variant remains unclear.

Labcorp Genetics (formerly Invitae), Labcorp
Classification: Uncertain significance for Fanconi anemia. Last evaluated: 2018-01-15. Review status: criteria provided, single submitter. Criteria: Invitae Variant Classification Sherloc (09022015). Collection method: clinical testing. Allele origin: germline.
Comment: This sequence change replaces glutamine with lysine at codon 283 of the FANCC protein (p.Gln283Lys). The glutamine residue is highly conserved and there is a small physicochemical difference between glutamine and lysine. This variant is not present in population databases (ExAC no frequency). This variant has not been reported in the literature in individuals with FANCC-related disease. Algorithms developed to predict the effect of missense changes on protein structure and function (SIFT, PolyPhen-2, Align-GVGD) all suggest that this variant is likely to be tolerated, but these predictions have not been confirmed by published functional studies and their clinical significance is uncertain. In summary, the available evidence is currently insufficient to determine the role of this variant in disease. Therefore, it has been classified as a Variant of Uncertain Significance.